The following is an entry in ClinVar:

NM_020778.5(ALPK3):c.2197G>A (p.Gly733Ser)

Gene: ALPK3 (alpha kinase 3; plus strand). Cytogenetic location: 15q25.3.
Variant type: single nucleotide variant.
Coding change: c.2197G>A on transcript NM_020778.5 (MANE Select); coding-DNA position 2197, G replaced by A.
Protein change: p.Gly733Ser; replaces glycine 733 with serine.
Molecular consequence: missense variant.
Genome position (GRCh38, 1-based): chr15:84,856,935, G>A. VCF-style: chr15-84856935-G-A. GRCh37 (hg19) VCF-style: chr15-85400166-G-A.
Other names: short protein forms G733S.
Identifiers: ClinVar variation 1302653 (VCV001302653.5), dbSNP rs34443853, ClinGen allele CA273624051.
Genomic context (GRCh38, chr15:84,856,935, plus strand): 5'-GAGGGGAGCGCGCCCACAGCCATGGAAGGTCAGTCTGAGCAAGAGGTGGCAACCAGCCTC[G>A]GCCCACCATCCAGAACCCCCAAACTCCCACCTACAGCGGGTCCTAGAGCTCCTCTGAATA-3'
Protein context (NP_065829.4, residues 723-743): QSEQEVATSL[Gly733Ser]PPSRTPKLPP

ClinVar aggregate classification (germline): Uncertain significance. Review status: criteria provided, multiple submitters, no conflicts (2 of 4 stars). 2 submissions from 2 submitters: Uncertain significance (2). Last evaluated 2025-04-02.

Allele frequency attached by ClinVar (database versions not stated): TOPMed below 0.00001.
gnomAD v4.1: 11 of 1,613,948 alleles (0.00068%); highest among the groups gnomAD compares: Non-Finnish European, 0.00085%; no homozygotes.

Submissions (2):

Labcorp Genetics (formerly Invitae), Labcorp
Classification: Uncertain significance. Last evaluated: 2025-04-02. Review status: criteria provided, single submitter. Criteria: Invitae Variant Classification Sherloc (09022015). Collection method: clinical testing. Allele origin: germline.
Comment: This sequence change replaces glycine, which is neutral and non-polar, with serine, which is neutral and polar, at codon 935 of the ALPK3 protein (p.Gly935Ser). This variant is present in population databases (rs34443853, gnomAD no frequency). This variant has not been reported in the literature in individuals affected with ALPK3-related conditions. ClinVar contains an entry for this variant (Variation ID: 1302653). Invitae Evidence Modeling of protein sequence and biophysical properties (such as structural, functional, and spatial information, amino acid conservation, physicochemical variation, residue mobility, and thermodynamic stability) indicates that this missense variant is not expected to disrupt ALPK3 protein function with a negative predictive value of 80%. In summary, the available evidence is currently insufficient to determine the role of this variant in disease. Therefore, it has been classified as a Variant of Uncertain Significance.

GeneDx
Classification: Uncertain significance. Last evaluated: 2019-03-29. Review status: criteria provided, single submitter. Criteria: GeneDx Variant Classification Process June 2021. Collection method: clinical testing. Allele origin: germline. Affected: yes.